The following is an entry in ClinVar:

ClinVar aggregate classification (germline): Uncertain significance (1 of 4 stars; one submission).

Submission:

Labcorp Genetics (formerly Invitae), Labcorp
Classification: Uncertain significance. Last evaluated: 2022-08-16. Review status: criteria provided, single submitter. Criteria: Invitae Variant Classification Sherloc (09022015). Collection method: clinical testing. Allele origin: germline.
Comment: This variant is not present in population databases (gnomAD no frequency). This sequence change replaces alanine, which is neutral and non-polar, with proline, which is neutral and non-polar, at codon 173 of the PLOD2 protein (p.Ala173Pro). This missense change has been observed in individual(s) with Bruck syndrome (PMID: 31001443; Invitae). In summary, the available evidence is currently insufficient to determine the role of this variant in disease. Therefore, it has been classified as a Variant of Uncertain Significance. Algorithms developed to predict the effect of missense changes on protein structure and function are either unavailable or do not agree on the potential impact of this missense change (SIFT: "Tolerated"; PolyPhen-2: "Probably Damaging"; Align-GVGD: "Class C0"). ClinVar contains an entry for this variant (Variation ID: 1392586).

Literature cited by the submitters: PubMed 31001443.

NM_182943.3(PLOD2):c.517G>C (p.Ala173Pro)

Gene: PLOD2 (procollagen-lysine,2-oxoglutarate 5-dioxygenase 2; minus strand). Cytogenetic location: 3q24.
Variant type: single nucleotide variant.
Coding change: c.517G>C on transcript NM_182943.3 (MANE Select); coding-DNA position 517, G replaced by C.
Protein change: p.Ala173Pro; replaces alanine 173 with proline.
Molecular consequence: missense variant.
Genome position (GRCh38, 1-based): chr3:146,106,630, C>G on the plus strand (G>C on the coding strand, the complement: PLOD2 is on the minus strand). VCF-style: chr3-146106630-C-G. GRCh37 (hg19) VCF-style: chr3-145824417-C-G.
Other names: c.517G>C, p.Ala173Pro (NM_000935.3); short protein forms A173P.
Identifiers: ClinVar variation 1392586 (VCV001392586.6), dbSNP rs2108062094, ClinGen allele CA354895076.